The following is an entry in ClinVar:

ClinVar aggregate classification (germline): Uncertain significance (1 of 4 stars; one submission).

Submission:

Labcorp Genetics (formerly Invitae), Labcorp
Classification: Uncertain significance. Last evaluated: 2024-02-23. Review status: criteria provided, single submitter. Criteria: Invitae Variant Classification Sherloc (09022015). Collection method: clinical testing. Allele origin: germline.
Comment: This sequence change replaces valine, which is neutral and non-polar, with isoleucine, which is neutral and non-polar, at codon 455 of the DPYS protein (p.Val455Ile). This variant is not present in population databases (gnomAD no frequency). This variant has not been reported in the literature in individuals affected with DPYS-related conditions. ClinVar contains an entry for this variant (Variation ID: 1927893). An algorithm developed to predict the effect of missense changes on protein structure and function (PolyPhen-2) suggests that this variant is likely to be tolerated. In summary, the available evidence is currently insufficient to determine the role of this variant in disease. Therefore, it has been classified as a Variant of Uncertain Significance.

NM_001385.3(DPYS):c.1363G>A (p.Val455Ile)

Gene: DPYS (dihydropyrimidinase; minus strand). Cytogenetic location: 8q22.3.
Variant type: single nucleotide variant.
Coding change: c.1363G>A on transcript NM_001385.3 (MANE Select); coding-DNA position 1363, G replaced by A.
Protein change: p.Val455Ile; replaces valine 455 with isoleucine.
Molecular consequence: missense variant.
Genome position (GRCh38, 1-based): chr8:104,392,864, C>T on the plus strand (G>A on the coding strand, the complement: DPYS is on the minus strand). VCF-style: chr8-104392864-C-T. GRCh37 (hg19) VCF-style: chr8-105405092-C-T.
Other names: short protein forms V455I.
Identifiers: ClinVar variation 1927893 (VCV001927893.5), dbSNP rs2537688122, ClinGen allele CA371938392.